The following is an entry in ClinVar:

ClinVar aggregate classification (germline): Conflicting classifications of pathogenicity. Review status: criteria provided, conflicting classifications (1 of 4 stars). 2 submissions from 2 submitters: Uncertain significance (1); Likely benign (1). Last evaluated 2025-10-11.

Conditions:
Naxos disease (NXD). Also called: KERATOSIS PALMOPLANTARIS WITH ARRHYTHMOGENIC CARDIOMYOPATHY; MAL DE NAXOS; PALMOPLANTAR KERATODERMA WITH ARRHYTHMOGENIC RIGHT VENTRICULAR CARDIOMYOPATHY AND WOOLLY HAIR; WOOLLY HAIR, PALMOPLANTAR KERATODERMA, AND CARDIAC ABNORMALITIES; CARDIOMYOPATHY, ARRHYTHMOGENIC RIGHT VENTRICULAR, WITH SKIN, HAIR, AND NAIL ABNORMALITIES. Identifiers: Orphanet 34217, MedGen C1832600, MONDO:0011017, OMIM 601214.
Arrhythmogenic right ventricular dysplasia 12. Also called: ARRHYTHMOGENIC RIGHT VENTRICULAR DYSPLASIA, FAMILIAL, 12. Identifiers: MedGen C1969081, MONDO:0012684, OMIM 611528.

Allele frequency attached by ClinVar (database versions not stated): gnomAD exomes below 0.00001 and 0.00001; TOPMed below 0.00001.
gnomAD v4.1: 4 of 1,581,924 alleles (0.00025%); highest among the groups gnomAD compares: Non-Finnish European, 0.000087%; no homozygotes.

Submissions (2):

Labcorp Genetics (formerly Invitae), Labcorp
Classification: Likely benign for Arrhythmogenic right ventricular dysplasia 12; Naxos disease. Last evaluated: 2025-10-11. Review status: criteria provided, single submitter. Criteria: Invitae Variant Classification Sherloc (09022015). Collection method: clinical testing. Allele origin: germline.

Laboratory for Molecular Medicine, Mass General Brigham Personalized Medicine
Classification: Uncertain significance. Last evaluated: 2012-03-22. Review status: criteria provided, single submitter. Criteria: LMM Criteria. Collection method: clinical testing. Allele origin: germline. Observed: 1 variant allele.
Comment: The 708-7C>T variant (JUP) has not been previously reported in the literature. This variant is located in the 3' splice region. Computational tools to not pred ict altered splicing but this information is not predictive enough to rule out p athogenicity. Homozygous variants in the JUP gene have been found in individuals with Naxos disease (ARVC, kinky hair, palmoplantar keratoderma). Additional in formation is needed to fully assess the clinical significance of this variant.

NM_002230.4(JUP):c.708-7C>T

Gene: JUP (junction plakoglobin; minus strand). Cytogenetic location: 17q21.2.
Variant type: single nucleotide variant.
Coding change: c.708-7C>T on transcript NM_002230.4 (MANE Select); 7 bases into the intron before coding-DNA position 708, C replaced by T.
Molecular consequence: intron variant.
Genome position (GRCh38, 1-based): chr17:41,767,587, G>A on the plus strand (C>T on the coding strand, the complement: JUP is on the minus strand). VCF-style: chr17-41767587-G-A. GRCh37 (hg19) VCF-style: chr17-39923839-G-A.
Other names: c.708-7C>T (NM_001352774.2, NM_021991.4, NM_001352776.2 and 3 more transcripts).
Identifiers: ClinVar variation 45856 (VCV000045856.12), dbSNP rs397517301, ClinGen allele CA137234.